The following is an entry in ClinVar:

NM_001134363.3(RBM20):c.1942C>T (p.His648Tyr)

Gene: RBM20 (RNA binding motif protein 20; plus strand). Cytogenetic location: 10q25.2.
Variant type: single nucleotide variant.
Coding change: c.1942C>T on transcript NM_001134363.3 (MANE Select); coding-DNA position 1942, C replaced by T.
Protein change: p.His648Tyr; replaces histidine 648 with tyrosine.
Molecular consequence: missense variant.
Genome position (GRCh38, 1-based): chr10:110,812,339, C>T. VCF-style: chr10-110812339-C-T. GRCh37 (hg19) VCF-style: chr10-112572097-C-T.
Other names: short protein forms H648Y.
Identifiers: ClinVar variation 3636971 (VCV003636971.2).

ClinVar aggregate classification (germline): Uncertain significance (1 of 4 stars; one submission).

Conditions:
Dilated cardiomyopathy 1DD (CMD1DD). Identifiers: Orphanet 154, MedGen C2750995, MONDO:0013168, OMIM 613172.

Submission:

Labcorp Genetics (formerly Invitae), Labcorp
Classification: Uncertain significance for Dilated cardiomyopathy 1DD. Last evaluated: 2025-03-10. Review status: criteria provided, single submitter. Criteria: Invitae Variant Classification Sherloc (09022015). Collection method: clinical testing. Allele origin: germline.
Comment: This sequence change replaces histidine, which is basic and polar, with tyrosine, which is neutral and polar, at codon 648 of the RBM20 protein (p.His648Tyr). This variant is not present in population databases (gnomAD no frequency). This variant has not been reported in the literature in individuals affected with RBM20-related conditions. Invitae Evidence Modeling of protein sequence and biophysical properties (such as structural, functional, and spatial information, amino acid conservation, physicochemical variation, residue mobility, and thermodynamic stability) indicates that this missense variant is not expected to disrupt RBM20 protein function with a negative predictive value of 95%. In summary, the available evidence is currently insufficient to determine the role of this variant in disease. Therefore, it has been classified as a Variant of Uncertain Significance.